The following is an entry in ClinVar:

ClinVar aggregate classification (germline): Uncertain significance (1 of 4 stars; one submission).

Allele frequency attached by ClinVar (database versions not stated): gnomAD exomes below 0.00001; gnomAD 0.00001.
gnomAD v4.1: 2 of 1,606,582 alleles (0.00012%); highest among the groups gnomAD compares: South Asian, 0.0022%; no homozygotes.

Submission:

GeneDx
Classification: Uncertain significance. Last evaluated: 2019-11-14. Review status: criteria provided, single submitter. Criteria: GeneDx Variant Classification Process June 2021. Collection method: clinical testing. Allele origin: germline. Affected: yes.
Comment: Not observed at a significant frequency in large population cohorts (Lek et al., 2016); In silico analysis, which includes protein predictors and evolutionary conservation, supports that this variant does not alter protein structure/function; Has not been previously published as pathogenic or benign to our knowledge

NM_012414.4(RAB3GAP2):c.5C>G (p.Ala2Gly)

Gene: RAB3GAP2 (RAB3 GTPase activating non-catalytic protein subunit 2; minus strand). Cytogenetic location: 1q41.
Variant type: single nucleotide variant.
Coding change: c.5C>G on transcript NM_012414.4 (MANE Select); coding-DNA position 5, C replaced by G.
Protein change: p.Ala2Gly; replaces alanine 2 with glycine.
Molecular consequence: missense variant.
Genome position (GRCh38, 1-based): chr1:220,272,333, G>C on the plus strand (C>G on the coding strand, the complement: RAB3GAP2 is on the minus strand). VCF-style: chr1-220272333-G-C. GRCh37 (hg19) VCF-style: chr1-220445675-G-C.
Other names: short protein forms A2G.
Identifiers: ClinVar variation 1310186 (VCV001310186.2), dbSNP rs1558178728, ClinGen allele CA344734788.